The following is an entry in ClinVar:

NM_021625.5(TRPV4):c.2387A>G (p.Asn796Ser)

Gene: TRPV4 (transient receptor potential cation channel subfamily V member 4; minus strand). Cytogenetic location: 12q24.11.
Variant type: single nucleotide variant.
Coding change: c.2387A>G on transcript NM_021625.5 (MANE Select); coding-DNA position 2387, A replaced by G.
Protein change: p.Asn796Ser; replaces asparagine 796 with serine.
Molecular consequence: missense variant.
Genome position (GRCh38, 1-based): chr12:109,784,387, T>C on the plus strand (A>G on the coding strand, the complement: TRPV4 is on the minus strand). VCF-style: chr12-109784387-T-C. GRCh37 (hg19) VCF-style: chr12-110222192-T-C.
Other names: c.2246A>G, p.Asn749Ser (NM_001177428.2); c.2285A>G, p.Asn762Ser (NM_001177431.2); c.2066A>G, p.Asn689Ser (NM_001177433.2); c.2207A>G, p.Asn736Ser (NM_147204.3); short protein forms N796S, N689S, N736S, N749S, N762S.
Identifiers: ClinVar variation 451605 (VCV000451605.9), dbSNP rs1188535536, ClinGen allele CA386648831.
Genomic context (GRCh38, chr12:109,784,387, plus strand): 5'-CGGCCCACGGTATGCGAGAAGCCATAATACTGGTAGGTCTCATTCTTGCCCGGGTCCTCG[T>C]TGATGATGCCCAAGTTCTGGTTCCAGTGAGACCAGTTCACCTCATCCACCCTGGCAGGGC-3'
Protein context (NP_067638.3, residues 786-806): SHWNQNLGII[Asn796Ser]EDPGKNETYQ

ClinVar aggregate classification (germline): Uncertain significance. Review status: criteria provided, multiple submitters, no conflicts (2 of 4 stars). 2 submissions from 2 submitters: Uncertain significance (2). Last evaluated 2021-07-26.

Conditions:
Charcot-Marie-Tooth disease axonal type 2C (HMSN2C). Also called: Charcot-Marie-Tooth Disease Type 2, TRPV4-Related (CMT2C); CHARCOT-MARIE-TOOTH DISEASE, AXONAL, AUTOSOMAL DOMINANT, TYPE 2C; Charcot-Marie-Tooth Neuropathy Type 2C. Identifiers: Orphanet 99937, MedGen C1853710, MONDO:0011633, OMIM 606071.

Allele frequency attached by ClinVar (database versions not stated): gnomAD exomes 0.00001; TOPMed 0.00001.
gnomAD v4.1: 5 of 1,614,210 alleles (0.00031%); highest among the groups gnomAD compares: Non-Finnish European, 0.00034%; no homozygotes.

Submissions (2):

Labcorp Genetics (formerly Invitae), Labcorp
Classification: Uncertain significance for Charcot-Marie-Tooth disease axonal type 2C. Last evaluated: 2021-07-26. Review status: criteria provided, single submitter. Criteria: Invitae Variant Classification Sherloc (09022015). Collection method: clinical testing. Allele origin: germline.
Comment: This variant has not been reported in the literature in individuals affected with TRPV4-related conditions. In summary, the available evidence is currently insufficient to determine the role of this variant in disease. Therefore, it has been classified as a Variant of Uncertain Significance. Advanced modeling of protein sequence and biophysical properties (such as structural, functional, and spatial information, amino acid conservation, physicochemical variation, residue mobility, and thermodynamic stability) performed at Invitae indicates that this missense variant is not expected to disrupt TRPV4 protein function. ClinVar contains an entry for this variant (Variation ID: 451605). This variant is not present in population databases (ExAC no frequency). This sequence change replaces asparagine with serine at codon 796 of the TRPV4 protein (p.Asn796Ser). The asparagine residue is moderately conserved and there is a small physicochemical difference between asparagine and serine.

GeneDx
Classification: Uncertain significance. Last evaluated: 2017-08-21. Review status: criteria provided, single submitter. Criteria: GeneDx Variant Classification (06012015). Collection method: clinical testing. Allele origin: germline. Affected: yes.
Comment: The N796S variant in the TRPV4 gene has not been reported previously as a pathogenic variant, nor as a benign variant, to our knowledge. This variant is not observed in large population cohorts (Lek et al., 2016; 1000 Genomes Consortium et al., 2015; Exome Variant Server). The N796S variant is a conservative amino acid substitution, which is not likely to impact secondary protein structure as these residues share similar properties. This substitution occurs at a position where amino acids with similar properties to Asparagine are tolerated across species. In silico analysis is inconsistent in its predictions as to whether or not the variant is damaging to the protein structure/function. We interpret N796S as a variant of uncertain significance.